The following is an entry in ClinVar:

NM_005276.4(GPD1):c.847-2A>C

Gene: GPD1 (glycerol-3-phosphate dehydrogenase 1; plus strand). Cytogenetic location: 12q13.12.
Variant type: single nucleotide variant.
Coding change: c.847-2A>C on transcript NM_005276.4 (MANE Select); the canonical splice acceptor site of the intron before coding-DNA position 847, A replaced by C.
Molecular consequence: splice acceptor variant.
Genome position (GRCh38, 1-based): chr12:50,108,022, A>C. VCF-style: chr12-50108022-A-C. GRCh37 (hg19) VCF-style: chr12-50501805-A-C.
Other names: c.778-2A>C (NM_001257199.2).
Identifiers: ClinVar variation 3726712 (VCV003726712.2).

ClinVar aggregate classification (germline): Likely pathogenic (1 of 4 stars; one submission).

Submission:

Labcorp Genetics (formerly Invitae), Labcorp
Classification: Likely pathogenic. Last evaluated: 2024-12-05. Review status: criteria provided, single submitter. Criteria: Invitae Variant Classification Sherloc (09022015). Collection method: clinical testing. Allele origin: germline.
Comment: This sequence change affects an acceptor splice site in intron 6 of the GPD1 gene. It is expected to disrupt RNA splicing. Variants that disrupt the donor or acceptor splice site typically lead to a loss of protein function (PMID: 16199547), and loss-of-function variants in GPD1 are known to be pathogenic (PMID: 22226083). This variant is not present in population databases (gnomAD no frequency). This variant has not been reported in the literature in individuals affected with GPD1-related conditions. Algorithms developed to predict the effect of sequence changes on RNA splicing suggest that this variant may disrupt the consensus splice site. In summary, the currently available evidence indicates that the variant is pathogenic, but additional data are needed to prove that conclusively. Therefore, this variant has been classified as Likely Pathogenic.

Literature cited by the submitters: PubMed 16199547; PubMed 22226083.